The following is an entry in ClinVar:

ClinVar aggregate classification (germline): Likely pathogenic (1 of 4 stars; one submission).

Conditions:
Rubinstein-Taybi syndrome due to EP300 haploinsufficiency. Also called: RUBINSTEIN-TAYBI SYNDROME 2; EP300-Related Rubinstein-Taybi Syndrome. Identifiers: Orphanet 353284, Orphanet 783, MedGen C3150941, MONDO:0013364, OMIM 613684.

Submission:

Variantyx, Inc.
Classification: Likely pathogenic for Rubinstein-Taybi syndrome due to EP300 haploinsufficiency. Last evaluated: 2025-04-24. Review status: criteria provided, single submitter. Criteria: Variantyx Assertion Criteria 2022. Collection method: clinical testing. Allele origin: germline. Inheritance: Autosomal dominant inheritance. Affected: yes.
Comment: This is a frameshift variant in the EP300 gene (OMIM: 602700). Pathogenic variants in this gene have been associated with autosomal dominant Rubinstein-Taybi syndrome 2. This variant introduces a premature termination codon in exon 31 out of 31 and is expected to result in loss of function, which is a known disease mechanism for EP300 in this disorder (PMID: 15706485, 24476420) (PVS1). This variant is absent from control populations (PM2), and it has not been reported in individuals with EP300-related disorders in the databases available for review. Based on the current evidence, this variant is classified as likely pathogenic for autosomal dominant Rubinstein-Taybi syndrome 2.

Literature cited by the submitters: PubMed 15706485; PubMed 24476420.

NM_001429.4(EP300):c.5748_5751del (p.Pro1917fs)

Gene: EP300 (EP300 lysine acetyltransferase; plus strand). Cytogenetic location: 22q13.2.
Variant type: Deletion.
Coding change: c.5748_5751del on transcript NM_001429.4 (MANE Select); coding-DNA positions 5748 to 5751, 4 bases deleted (ACCC; older notation c.5748_5751delACCC).
Protein change: p.Pro1917fs; shifts the reading frame from proline 1917.
Molecular consequence: frameshift variant.
Genome position (GRCh38, 1-based): chr22:41,177,459-41,177,462, ACCC deleted; deleting any 4 consecutive bases within chr22:41,177,457-41,177,462 gives the same sequence; the c. name uses the placement nearest the transcript's 3' end. VCF-style (leftmost placement, unchanged base first): chr22-41177456-GCCAC-G. GRCh37 (hg19) VCF-style: chr22-41573460-GCCAC-G.
Other names: c.5670_5673del, p.Pro1891fs (NM_001362843.2); short protein forms P1891fs, P1917fs.
Identifiers: ClinVar variation 4852232 (VCV004852232.1).